The following is an entry in ClinVar:

NM_147127.5(EVC2):c.1543G>A (p.Ala515Thr)

Gene: EVC2 (EvC ciliary complex subunit 2; minus strand). Cytogenetic location: 4p16.2.
Variant type: single nucleotide variant.
Coding change: c.1543G>A on transcript NM_147127.5 (MANE Select); coding-DNA position 1543, G replaced by A.
Protein change: p.Ala515Thr; replaces alanine 515 with threonine.
Molecular consequence: missense variant.
Genome position (GRCh38, 1-based): chr4:5,631,960, C>T on the plus strand (G>A on the coding strand, the complement: EVC2 is on the minus strand). VCF-style: chr4-5631960-C-T. GRCh37 (hg19) VCF-style: chr4-5633687-C-T.
Other names: c.1303G>A, p.Ala435Thr (NM_001166136.2); short protein forms A435T, A515T.
Identifiers: ClinVar variation 3751746 (VCV003751746.2).

ClinVar aggregate classification (germline): Uncertain significance (1 of 4 stars; one submission).

Conditions:
Curry-Hall syndrome (WAD). Also called: WEYERS ACRODENTAL DYSOSTOSIS. Identifiers: Orphanet 952, MedGen C0457013, MONDO:0008673, OMIM 193530.
Ellis-van Creveld syndrome (EVC). Also called: EVC-Related Ellis-van Creveld Syndrome; EVC2-Related Ellis-van Creveld Syndrome; MESOECTODERMAL DYSPLASIA; Chondroectodermal dysplasia. Identifiers: Orphanet 289, MedGen C0013903, MONDO:0009162, OMIM 225500.

gnomAD v4.1: 30 of 1,614,080 alleles (0.0019%); highest among the groups gnomAD compares: East Asian, 0.027%; 1 homozygote.

Submission:

Labcorp Genetics (formerly Invitae), Labcorp
Classification: Uncertain significance for Curry-Hall syndrome; Ellis-van Creveld syndrome. Last evaluated: 2024-11-18. Review status: criteria provided, single submitter. Criteria: Invitae Variant Classification Sherloc (09022015). Collection method: clinical testing. Allele origin: germline.
Comment: This sequence change replaces alanine, which is neutral and non-polar, with threonine, which is neutral and polar, at codon 515 of the EVC2 protein (p.Ala515Thr). This variant is present in population databases (rs764417189, gnomAD 0.006%). This variant has not been reported in the literature in individuals affected with EVC2-related conditions. An algorithm developed to predict the effect of missense changes on protein structure and function outputs the following: PolyPhen-2: "Benign". The threonine amino acid residue is found in multiple mammalian species, which suggests that this missense change does not adversely affect protein function. In summary, the available evidence is currently insufficient to determine the role of this variant in disease. Therefore, it has been classified as a Variant of Uncertain Significance.